The following is an entry in ClinVar:

NM_006208.3(ENPP1):c.1804C>T (p.Pro602Ser)

Gene: ENPP1 (ectonucleotide pyrophosphatase/phosphodiesterase 1; plus strand). Cytogenetic location: 6q23.2.
Variant type: single nucleotide variant.
Coding change: c.1804C>T on transcript NM_006208.3 (MANE Select); coding-DNA position 1804, C replaced by T.
Protein change: p.Pro602Ser; replaces proline 602 with serine.
Molecular consequence: missense variant.
Genome position (GRCh38, 1-based): chr6:131,877,072, C>T. VCF-style: chr6-131877072-C-T. GRCh37 (hg19) VCF-style: chr6-132198212-C-T.
Other names: short protein forms P602S.
Identifiers: ClinVar variation 2889261 (VCV002889261.3), dbSNP rs141248748, ClinGen allele CA4002333.

ClinVar aggregate classification (germline): Uncertain significance (1 of 4 stars; one submission).

Allele frequency attached by ClinVar (database versions not stated): ExAC 0.00001; gnomAD 0.00001; TOPMed 0.00002; ESP Exome Variant Server 0.00008.
gnomAD v4.1: 2 of 1,613,902 alleles (0.00012%); highest among the groups gnomAD compares: Non-Finnish European, 0.00017%; no homozygotes.

Submission:

Labcorp Genetics (formerly Invitae), Labcorp
Classification: Uncertain significance. Last evaluated: 2023-05-11. Review status: criteria provided, single submitter. Criteria: Invitae Variant Classification Sherloc (09022015). Collection method: clinical testing. Allele origin: germline.
Comment: In summary, the available evidence is currently insufficient to determine the role of this variant in disease. Therefore, it has been classified as a Variant of Uncertain Significance. Advanced modeling of protein sequence and biophysical properties (such as structural, functional, and spatial information, amino acid conservation, physicochemical variation, residue mobility, and thermodynamic stability) has been performed at Invitae for this missense variant, however the output from this modeling did not meet the statistical confidence thresholds required to predict the impact of this variant on ENPP1 protein function. This variant has not been reported in the literature in individuals affected with ENPP1-related conditions. This variant is present in population databases (rs141248748, gnomAD 0.0009%). This sequence change replaces proline, which is neutral and non-polar, with serine, which is neutral and polar, at codon 602 of the ENPP1 protein (p.Pro602Ser).